The following is an entry in ClinVar:

NM_006031.6(PCNT):c.4791+5A>G

Gene: PCNT (pericentrin; plus strand). Cytogenetic location: 21q22.3.
Variant type: single nucleotide variant.
Coding change: c.4791+5A>G on transcript NM_006031.6 (MANE Select); 5 bases into the intron after coding-DNA position 4791, A replaced by G.
Molecular consequence: intron variant.
Genome position (GRCh38, 1-based): chr21:46,399,801, A>G. VCF-style: chr21-46399801-A-G. GRCh37 (hg19) VCF-style: chr21-47819715-A-G.
Other names: c.4437+5A>G (NM_001315529.2).
Identifiers: ClinVar variation 1950903 (VCV001950903.4), dbSNP rs749819015, ClinGen allele CA10079774.

ClinVar aggregate classification (germline): Uncertain significance (1 of 4 stars; one submission).

Allele frequency attached by ClinVar (database versions not stated): gnomAD exomes below 0.00001; ExAC 0.00002; TOPMed 0.00002.
gnomAD v4.1: 3 of 1,613,368 alleles (0.00019%); highest among the groups gnomAD compares: East Asian, 0.0067%; no homozygotes.

Submission:

Labcorp Genetics (formerly Invitae), Labcorp
Classification: Uncertain significance. Last evaluated: 2025-01-20. Review status: criteria provided, single submitter. Criteria: Invitae Variant Classification Sherloc (09022015). Collection method: clinical testing. Allele origin: germline.
Comment: This sequence change falls in intron 25 of the PCNT gene. It does not directly change the encoded amino acid sequence of the PCNT protein. It affects a nucleotide within the consensus splice site. This variant is present in population databases (rs749819015, gnomAD 0.01%). This variant has not been reported in the literature in individuals affected with PCNT-related conditions. ClinVar contains an entry for this variant (Variation ID: 1950903). Variants that disrupt the consensus splice site are a relatively common cause of aberrant splicing (PMID: 17576681, 9536098). Algorithms developed to predict the effect of sequence changes on RNA splicing suggest that this variant is not likely to affect RNA splicing. In summary, the available evidence is currently insufficient to determine the role of this variant in disease. Therefore, it has been classified as a Variant of Uncertain Significance.

Literature cited by the submitters: PubMed 17576681; PubMed 9536098.